The following is an entry in ClinVar:

ClinVar aggregate classification (germline): Conflicting classifications of pathogenicity. Review status: criteria provided, conflicting classifications (1 of 4 stars). 2 submissions from 2 submitters: Uncertain significance (1); Likely benign (1). Last evaluated 2025-12-10.

Submissions (2):

Labcorp Genetics (formerly Invitae), Labcorp
Classification: Uncertain significance. Last evaluated: 2025-12-10. Review status: criteria provided, single submitter. Criteria: Invitae Variant Classification Sherloc (09022015). Collection method: clinical testing. Allele origin: germline.
Comment: This sequence change replaces proline, which is neutral and non-polar, with leucine, which is neutral and non-polar, at codon 430 of the BICC1 protein (p.Pro430Leu). This variant is present in population databases (rs777589648, gnomAD 0.01%). This variant has not been reported in the literature in individuals affected with BICC1-related conditions. ClinVar contains an entry for this variant (Variation ID: 3991419). An algorithm developed to predict the effect of missense changes on protein structure and function (PolyPhen-2) suggests that this variant is likely to be tolerated. In summary, the available evidence is currently insufficient to determine the role of this variant in disease. Therefore, it has been classified as a Variant of Uncertain Significance.

Ambry Genetics
Classification: Likely benign. Last evaluated: 2025-03-28. Review status: criteria provided, single submitter. Criteria: Ambry Variant Classification Scheme 2023. Collection method: clinical testing. Allele origin: germline.

NM_001080512.3(BICC1):c.1289C>T (p.Pro430Leu)

Gene: BICC1 (BicC family RNA binding protein 1; plus strand). Cytogenetic location: 10q21.1.
Variant type: single nucleotide variant.
Coding change: c.1289C>T on transcript NM_001080512.3 (MANE Select); coding-DNA position 1289, C replaced by T.
Protein change: p.Pro430Leu; replaces proline 430 with leucine.
Molecular consequence: missense variant.
Genome position (GRCh38, 1-based): chr10:58,796,449, C>T. VCF-style: chr10-58796449-C-T. GRCh37 (hg19) VCF-style: chr10-60556209-C-T.
Other names: short protein forms P430L.
Identifiers: ClinVar variation 3991419 (VCV003991419.2).